The following is an entry in ClinVar:

NM_006254.4(PRKCD):c.1415+7G>C

Gene: PRKCD (protein kinase C delta; plus strand). Cytogenetic location: 3p21.1.
Variant type: single nucleotide variant.
Coding change: c.1415+7G>C on transcript NM_006254.4 (MANE Select); 7 bases into the intron after coding-DNA position 1415, G replaced by C.
Molecular consequence: intron variant.
Genome position (GRCh38, 1-based): chr3:53,187,409, G>C. VCF-style: chr3-53187409-G-C. GRCh37 (hg19) VCF-style: chr3-53221425-G-C.
Other names: c.1415+7G>C (NM_001354680.2, NM_001354679.2, NM_212539.2 and 1 more transcripts); c.1472+7G>C (NM_001354676.2); c.1463+7G>C (NM_001354678.2).
Identifiers: ClinVar variation 729888 (VCV000729888.35), dbSNP rs78905675, ClinGen allele CA2452175.

ClinVar aggregate classification (germline): Likely benign. Review status: criteria provided, multiple submitters, no conflicts (2 of 4 stars). 3 submissions from 3 submitters: Likely benign (3). Last evaluated 2025-12-17.

Conditions:
Autoimmune lymphoproliferative syndrome, type III caused by mutation in PRKCD. Identifiers: Orphanet 3261, Orphanet 664711, MedGen C3809928, MONDO:8000024, OMIM 615559.

Allele frequency attached by ClinVar (database versions not stated): ExAC 0.00035; ESP Exome Variant Server 0.00038; gnomAD 0.00040 and 0.00043; gnomAD exomes 0.00041 and 0.00057; TOPMed 0.00045.
gnomAD v4.1: 878 of 1,613,710 alleles (0.054%); highest among the groups gnomAD compares: Non-Finnish European, 0.069%; 1 homozygote.

Submissions (3):

Labcorp Genetics (formerly Invitae), Labcorp
Classification: Likely benign for Autoimmune lymphoproliferative syndrome, type III caused by mutation in PRKCD. Last evaluated: 2025-12-17. Review status: criteria provided, single submitter. Criteria: Invitae Variant Classification Sherloc (09022015). Collection method: clinical testing. Allele origin: germline.

Blueprint Genetics
Classification: Likely benign. Last evaluated: 2024-11-20. Review status: criteria provided, single submitter. Criteria: ACMG Guidelines, 2015. Collection method: clinical testing. Allele origin: germline.

CeGaT Center for Human Genetics Tuebingen
Classification: Likely benign. Last evaluated: 2023-08-01. Review status: criteria provided, single submitter. Criteria: CeGaT Center For Human Genetics Tuebingen Variant Classification Criteria Version 2. Collection method: clinical testing. Allele origin: germline. Affected: yes. Observed: 1 variant allele.
Comment: PRKCD: BP4